The following is an entry in ClinVar:

ClinVar aggregate classification (germline): Uncertain significance (1 of 4 stars; one submission).

Allele frequency attached by ClinVar (database versions not stated): ExAC 0.00002; gnomAD 0.00002; gnomAD exomes 0.00002 and 0.00004; TOPMed 0.00002; ESP Exome Variant Server 0.00008.
gnomAD v4.1: 55 of 1,608,338 alleles (0.0034%); highest among the groups gnomAD compares: Non-Finnish European, 0.0045%; no homozygotes.

Submission:

Labcorp Genetics (formerly Invitae), Labcorp
Classification: Uncertain significance. Last evaluated: 2022-07-13. Review status: criteria provided, single submitter. Criteria: Invitae Variant Classification Sherloc (09022015). Collection method: clinical testing. Allele origin: germline.
Comment: This sequence change replaces cysteine, which is neutral and slightly polar, with tyrosine, which is neutral and polar, at codon 437 of the ANLN protein (p.Cys437Tyr). This variant is present in population databases (rs139130995, gnomAD 0.004%). This variant has not been reported in the literature in individuals affected with ANLN-related conditions. ClinVar contains an entry for this variant (Variation ID: 1406983). Algorithms developed to predict the effect of missense changes on protein structure and function are either unavailable or do not agree on the potential impact of this missense change (SIFT: "Deleterious"; PolyPhen-2: "Probably Damaging"; Align-GVGD: "Class C0"). In summary, the available evidence is currently insufficient to determine the role of this variant in disease. Therefore, it has been classified as a Variant of Uncertain Significance.

NM_018685.5(ANLN):c.1310G>A (p.Cys437Tyr)

Gene: ANLN (anillin, actin binding protein; plus strand). Cytogenetic location: 7p14.2.
Variant type: single nucleotide variant.
Coding change: c.1310G>A on transcript NM_018685.5 (MANE Select); coding-DNA position 1310, G replaced by A.
Protein change: p.Cys437Tyr; replaces cysteine 437 with tyrosine.
Molecular consequence: missense variant.
Genome position (GRCh38, 1-based): chr7:36,411,081, G>A. VCF-style: chr7-36411081-G-A. GRCh37 (hg19) VCF-style: chr7-36450690-G-A.
Other names: c.1310G>A, p.Cys437Tyr (NM_001284301.3, NM_001284302.3); short protein forms C437Y.
Identifiers: ClinVar variation 1406983 (VCV001406983.6), dbSNP rs139130995, ClinGen allele CA4219563.